The following is an entry in ClinVar:

NM_000163.5(GHR):c.1473C>T (p.Ser491=)

Gene: GHR (growth hormone receptor; plus strand). Cytogenetic location: 5p12.
Variant type: single nucleotide variant.
Coding change: c.1473C>T on transcript NM_000163.5 (MANE Select); coding-DNA position 1473, C replaced by T.
Protein change: p.Ser491=; no amino-acid change (serine 491 retained).
Molecular consequence: synonymous variant. On other transcripts: 3 prime UTR variant (1).
Genome position (GRCh38, 1-based): chr5:42,718,980, C>T. VCF-style: chr5-42718980-C-T. GRCh37 (hg19) VCF-style: chr5-42719082-C-T.
Other names: c.1494C>T, p.Ser498= (NM_001242399.2); c.1473C>T, p.Ser491= (NM_001242400.2, NM_001242401.4, NM_001242402.2 and 4 more transcripts); c.1407C>T, p.Ser469= (NM_001242460.2); c.*515C>T (NM_001242462.1).
Identifiers: ClinVar variation 255404 (VCV000255404.19), dbSNP rs6176, ClinGen allele CA3254650.

ClinVar aggregate classification (germline): Benign. Review status: criteria provided, multiple submitters, no conflicts (2 of 4 stars). 8 submissions from 8 submitters: Benign (6). 2 of the submissions do not count toward it. Last evaluated 2026-05-09.

Conditions:
Laron-type isolated somatotropin defect. Also called: GROWTH HORMONE RECEPTOR DEFICIENCY; Laron Syndrome; Growth hormone binding protein deficiency or dysfunction; Growth hormone receptor deficiency or dysfunction; Laron dwarfism; Laron type pituitary dwarfism I. Identifiers: Orphanet 633, MedGen C0271568, MONDO:0009877, OMIM 262500.

Allele frequency attached by ClinVar (database versions not stated): 1000 Genomes Project 30x 0.02155; gnomAD exomes 0.02262 and 0.02383; gnomAD 0.02056 and 0.02017; 1000 Genomes Project 0.02057; TOPMed 0.02079; ESP Exome Variant Server 0.02191; ExAC 0.02257.
gnomAD v4.1: 38,035 of 1,611,654 alleles (2.4%); highest among the groups gnomAD compares: Middle Eastern, 6.4%; 564 homozygotes.

Submissions (8):

Women's Health and Genetics/Laboratory Corporation of America, LabCorp
Classification: Benign. Last evaluated: 2026-05-09. Review status: criteria provided, single submitter. Criteria: LabCorp Variant Classification Summary - May 2015. Collection method: clinical testing. Allele origin: germline.

Labcorp Genetics (formerly Invitae), Labcorp
Classification: Benign. Last evaluated: 2026-02-04. Review status: criteria provided, single submitter. Criteria: Invitae Variant Classification Sherloc (09022015). Collection method: clinical testing. Allele origin: germline.

Athena Diagnostics
Classification: Benign. Last evaluated: 2020-09-01. Review status: criteria provided, single submitter. Criteria: Athena Diagnostics criteria. Collection method: clinical testing. Allele origin: unknown.

Illumina Laboratory Services, Illumina
Classification: Benign for Laron-type isolated somatotropin defect. Last evaluated: 2018-01-13. Review status: criteria provided, single submitter. Criteria: ICSL Variant Classification Criteria 13 December 2019. Collection method: clinical testing. Allele origin: germline.
Comment: This variant was observed in the ICSL laboratory as part of a predisposition screen in an ostensibly healthy population. It had not been previously curated by ICSL or reported in the Human Gene Mutation Database (HGMD: prior to June 1st, 2018), and was therefore a candidate for classification through an automated scoring system. Utilizing variant allele frequency, disease prevalence and penetrance estimates, and inheritance mode, an automated score was calculated to assess if this variant is too frequent to cause the disease. Based on the score and internal cut-off values, a variant classified as benign is not then subjected to further curation. The score for this variant resulted in a classification of benign for this disease.

Breakthrough Genomics
Classification: Benign. Review status: criteria provided, single submitter. Criteria: ACMG Guidelines, 2015. Collection method: not provided. Allele origin: germline. Inheritance: Autosomal recessive inheritance. Affected: yes.

PreventionGenetics, part of Exact Sciences
Classification: Benign. Review status: criteria provided, single submitter. Criteria: ACMG Guidelines, 2015. Collection method: clinical testing. Allele origin: germline.

Clinical Genetics DNA and cytogenetics Diagnostics Lab, Erasmus MC, Erasmus Medical Center
Classification: Benign. Review status: no assertion criteria provided. Collection method: clinical testing. Allele origin: germline. Affected: yes. Study: VKGL Data-share Consensus. Not counted in ClinVar's aggregate classification.

Laboratory of Diagnostic Genome Analysis, Leiden University Medical Center (LUMC)
Classification: Likely benign. Review status: no assertion criteria provided. Collection method: clinical testing. Allele origin: germline. Affected: yes. Study: VKGL Data-share Consensus. Not counted in ClinVar's aggregate classification.

Literature cited by the submitters: PubMed 16381017 (cited by Athena Diagnostics); PubMed 19815155 (cited by Athena Diagnostics); PubMed 16213173 (cited by Athena Diagnostics).